The following is an entry in ClinVar:

NM_017617.5(NOTCH1):c.6083-4G>A

Genes: NOTCH1 (notch receptor 1; minus strand), LOC126860794 (BRD4-independent group 4 enhancer GRCh37_chr9:139392592-139393791; plus strand). Cytogenetic location: 9q34.3.
Variant type: single nucleotide variant.
Coding change: c.6083-4G>A on transcript NM_017617.5 (MANE Select); 4 bases into the intron before coding-DNA position 6083, G replaced by A.
Molecular consequence: intron variant.
Genome position (GRCh38, 1-based): chr9:136,499,000, C>T on the plus strand (G>A on the coding strand, the complement: NOTCH1 is on the minus strand). VCF-style: chr9-136499000-C-T. GRCh37 (hg19) VCF-style: chr9-139393452-C-T.
Other names: c.6083-4G>A (LRG_1122t1).
Identifiers: ClinVar variation 507703 (VCV000507703.27), dbSNP rs570242146, ClinGen allele CA5340024.

ClinVar aggregate classification (germline): Benign/Likely benign. Review status: criteria provided, multiple submitters, no conflicts (2 of 4 stars). 9 submissions from 8 submitters: Benign (3); Likely benign (4). 2 of the submissions do not count toward it. Last evaluated 2025-12-23.

Conditions:
Familial thoracic aortic aneurysm and aortic dissection (TAAD). Also called: Thoracic aortic aneurysms and dissections. Identifiers: Orphanet 91387, MedGen C4707243, MONDO:0019625.
Aortic valve disease 1 (AOVD1). Identifiers: MedGen C3887892, MONDO:0024523, OMIM 109730.
Adams-Oliver syndrome 5 (AOS5). Identifiers: Orphanet 974, MedGen C4014970, MONDO:0014459, OMIM 616028.

Allele frequency attached by ClinVar (database versions not stated): ExAC 0.00004; gnomAD exomes 0.00004; TOPMed 0.00005; gnomAD 0.00007 and 0.00008.
gnomAD v4.1: 41 of 1,613,154 alleles (0.0025%); highest among the groups gnomAD compares: Non-Finnish European, 0.0032%; no homozygotes.

Submissions (9):

Labcorp Genetics (formerly Invitae), Labcorp
Classification: Likely benign for Adams-Oliver syndrome 5. Last evaluated: 2025-12-23. Review status: criteria provided, single submitter. Criteria: Invitae Variant Classification Sherloc (09022015). Collection method: clinical testing. Allele origin: germline.

CeGaT Center for Human Genetics Tuebingen
Classification: Likely benign. Last evaluated: 2025-02-01. Review status: criteria provided, single submitter. Criteria: CeGaT Center For Human Genetics Tuebingen Variant Classification Criteria Version 2. Collection method: clinical testing. Allele origin: germline. Affected: yes. Observed: 1 variant allele.
Comment: NOTCH1: BP4

Ambry Genetics
Classification: Likely benign for Familial thoracic aortic aneurysm and aortic dissection. Last evaluated: 2024-01-24. Review status: criteria provided, single submitter. Criteria: Ambry Variant Classification Scheme 2023. Collection method: clinical testing. Allele origin: germline.

Women's Health and Genetics/Laboratory Corporation of America, LabCorp
Classification: Benign. Last evaluated: 2023-11-06. Review status: criteria provided, single submitter. Criteria: LabCorp Variant Classification Summary - May 2015. Collection method: clinical testing. Allele origin: germline.
Comment: Variant summary: NOTCH1 c.6083-4G>A alters a non-conserved nucleotide located close to a canonical splice site and therefore could affect mRNA splicing, leading to a significantly altered protein sequence. Consensus agreement among computation tools predict no significant impact on normal splicing. However, these predictions have yet to be confirmed by functional studies. The variant allele was found at a frequency of 4.4e-05 in 248916 control chromosomes, predominantly at a frequency of 8.9e-05 within the Non-Finnish European subpopulation in the gnomAD database. The observed variant frequency within Non-Finnish European control individuals in the gnomAD database is approximately 142 fold of the estimated maximal expected allele frequency for a pathogenic variant in NOTCH1 causing Adams-Oliver Syndrome 5 phenotype (6.3e-07), strongly suggesting that the variant is a benign polymorphism found primarily in populations of Non-Finnish European origin. c.6083-4G>A has been reported in the literature in at least one individual affected with thoracic aortic aneurysm/dissection (e.g., Renner_2019), however without strong evidence for causality (e.g., lack of co-segregation data.) This report therefore does not provide unequivocal conclusions about association of the variant with Adams-Oliver Syndrome 5. To our knowledge, no experimental evidence demonstrating an impact on protein function has been reported. The following publication was ascertained in the context of this evaluation (PMID: 30675029). Three submitters have reported clinical-significance assessments for this variant to ClinVar after 2014. All submitters classified the variant as benign/likely benign. Based on the evidence outlined above, the variant was classified as benign.

Genome-Nilou Lab
Classification: Benign for Adams-Oliver syndrome 5. Last evaluated: 2022-03-15. Review status: criteria provided, single submitter. Criteria: ACMG Guidelines, 2015. Collection method: clinical testing. Allele origin: germline. Affected: no.

Genome-Nilou Lab
Classification: Benign for Aortic valve disease 1. Last evaluated: 2022-03-15. Review status: criteria provided, single submitter. Criteria: ACMG Guidelines, 2015. Collection method: clinical testing. Allele origin: germline. Affected: no.

GeneDx
Classification: Likely benign. Last evaluated: 2017-03-01. Review status: criteria provided, single submitter. Criteria: GeneDx Variant Classification (06012015). Collection method: clinical testing. Allele origin: germline. Affected: yes.
Comment: This variant is considered likely benign or benign based on one or more of the following criteria: it is a conservative change, it occurs at a poorly conserved position in the protein, it is predicted to be benign by multiple in silico algorithms, and/or has population frequency not consistent with disease.

Clinical Genetics DNA and cytogenetics Diagnostics Lab, Erasmus MC, Erasmus Medical Center
Classification: Likely benign. Review status: no assertion criteria provided. Collection method: clinical testing. Allele origin: germline. Affected: yes. Study: VKGL Data-share Consensus. Not counted in ClinVar's aggregate classification.

Genome Diagnostics Laboratory, Amsterdam University Medical Center
Classification: Likely benign. Review status: no assertion criteria provided. Collection method: clinical testing. Allele origin: germline. Affected: yes. Study: VKGL Data-share Consensus. Not counted in ClinVar's aggregate classification.

Literature cited by the submitters: PubMed 30675029 (cited by Ambry Genetics and Women's Health and Genetics/Laboratory Corporation of America, LabCorp).